The following is an entry in ClinVar:

NM_004304.5(ALK):c.1747C>A (p.His583Asn)

Gene: ALK (ALK receptor tyrosine kinase; minus strand). Cytogenetic location: 2p23.2.
Variant type: single nucleotide variant.
Coding change: c.1747C>A on transcript NM_004304.5 (MANE Select); coding-DNA position 1747, C replaced by A.
Protein change: p.His583Asn; replaces histidine 583 with asparagine.
Molecular consequence: missense variant.
Genome position (GRCh38, 1-based): chr2:29,296,958, G>T on the plus strand (C>A on the coding strand, the complement: ALK is on the minus strand). VCF-style: chr2-29296958-G-T. GRCh37 (hg19) VCF-style: chr2-29519824-G-T.
Other names: c.1747C>A (NM_004304.4); short protein forms H583N.
Identifiers: ClinVar variation 3005345 (VCV003005345.5), dbSNP rs1666202984, ClinGen allele CA346466176.

ClinVar aggregate classification (germline): Conflicting classifications of pathogenicity. Review status: criteria provided, conflicting classifications (1 of 4 stars). 3 submissions from 3 submitters: Uncertain significance (2); Likely benign (1). Last evaluated 2025-07-23.

Conditions:
Hereditary cancer-predisposing syndrome. Also called: Hereditary neoplastic syndrome; Hereditary Cancer Syndrome; Neoplastic Syndromes, Hereditary; Tumor predisposition. Identifiers: Orphanet 140162, MedGen C0027672, MeSH D009386, MONDO:0015356.
Neuroblastoma, susceptibility to, 3. Also called: ALK-Related Neuroblastic Tumor Susceptibility. Identifiers: Orphanet 635, MedGen C2751681, MONDO:0013083, OMIM 613014.

Allele frequency attached by ClinVar (database versions not stated): gnomAD exomes below 0.00001.
gnomAD v4.1: 1 of 1,614,206 alleles (0.000062%); highest among the groups gnomAD compares: Non-Finnish European, 0.000085%; no homozygotes.

Submissions (3):

Ambry Genetics
Classification: Likely benign for Hereditary cancer-predisposing syndrome. Last evaluated: 2025-07-23. Review status: criteria provided, single submitter. Criteria: Ambry Variant Classification Scheme 2023. Collection method: clinical testing. Allele origin: germline.

Labcorp Genetics (formerly Invitae), Labcorp
Classification: Uncertain significance for Neuroblastoma, susceptibility to, 3. Last evaluated: 2025-02-18. Review status: criteria provided, single submitter. Criteria: Invitae Variant Classification Sherloc (09022015). Collection method: clinical testing. Allele origin: germline.
Comment: This sequence change replaces histidine, which is basic and polar, with asparagine, which is neutral and polar, at codon 583 of the ALK protein (p.His583Asn). This variant is not present in population databases (gnomAD no frequency). This variant has not been reported in the literature in individuals affected with ALK-related conditions. ClinVar contains an entry for this variant (Variation ID: 3005345). An algorithm developed to predict the effect of missense changes on protein structure and function (PolyPhen-2) suggests that this variant is likely to be tolerated. In summary, the available evidence is currently insufficient to determine the role of this variant in disease. Therefore, it has been classified as a Variant of Uncertain Significance.

Fulgent Genetics
Classification: Uncertain significance for Neuroblastoma, susceptibility to, 3. Last evaluated: 2024-05-23. Review status: criteria provided, single submitter. Criteria: ACMG Guidelines, 2015. Collection method: clinical testing. Allele origin: germline.